The following is an entry in ClinVar:

ClinVar aggregate classification (germline): Pathogenic (1 of 4 stars; one submission).

Submission:

GeneDx
Classification: Pathogenic. Last evaluated: 2025-05-13. Review status: criteria provided, single submitter. Criteria: GeneDx Variant Classification Process June 2021. Collection method: clinical testing. Allele origin: germline. Affected: yes.
Comment: Canonical splice site variant predicted to result in a null allele in a gene for which loss of function is a known mechanism of disease; Not observed at significant frequency in large population cohorts (gnomAD); This variant is associated with the following publications: (PMID: 31618753)

NM_003632.3(CNTNAP1):c.3475-2A>C

Gene: CNTNAP1 (contactin associated protein 1; plus strand). Cytogenetic location: 17q21.2.
Variant type: single nucleotide variant.
Coding change: c.3475-2A>C on transcript NM_003632.3 (MANE Select); the canonical splice acceptor site of the intron before coding-DNA position 3475, A replaced by C.
Molecular consequence: splice acceptor variant.
Genome position (GRCh38, 1-based): chr17:42,697,272, A>C. VCF-style: chr17-42697272-A-C. GRCh37 (hg19) VCF-style: chr17-40849290-A-C.
Identifiers: ClinVar variation 430068 (VCV000430068.5), dbSNP rs1131691767, ClinGen allele CA399627656.